The following is an entry in ClinVar:

NM_015215.4(CAMTA1):c.1292T>G (p.Leu431Arg)

Gene: CAMTA1 (calmodulin binding transcription activator 1; plus strand). Cytogenetic location: 1p36.23.
Variant type: single nucleotide variant.
Coding change: c.1292T>G on transcript NM_015215.4 (MANE Select); coding-DNA position 1292, T replaced by G.
Protein change: p.Leu431Arg; replaces leucine 431 with arginine.
Molecular consequence: missense variant.
Genome position (GRCh38, 1-based): chr1:7,663,839, T>G. VCF-style: chr1-7663839-T-G. GRCh37 (hg19) VCF-style: chr1-7723899-T-G.
Other names: c.1202T>G, p.Leu401Arg (NM_001349608.2, NM_001349612.2); c.1292T>G, p.Leu431Arg (NM_001349609.2, NM_001349610.2, NM_001410737.1); c.1220T>G, p.Leu407Arg (NM_001410738.1); short protein forms L401R, L407R, L431R.
Identifiers: ClinVar variation 2579780 (VCV002579780.1), dbSNP rs2523714128, ClinGen allele CA338126631.

ClinVar aggregate classification (germline): Uncertain significance (1 of 4 stars; one submission).

Submission:

GeneDx
Classification: Uncertain significance. Last evaluated: 2023-03-12. Review status: criteria provided, single submitter. Criteria: GeneDx Variant Classification Process June 2021. Collection method: clinical testing. Allele origin: germline. Affected: yes.
Comment: Not observed at significant frequency in large population cohorts (gnomAD); In silico analysis supports that this missense variant does not alter protein structure/function; Has not been previously published as pathogenic or benign to our knowledge